The following is an entry in ClinVar:

NM_004333.6(BRAF):c.708C>A (p.Asn236Lys)

Gene: BRAF (B-Raf proto-oncogene, serine/threonine kinase; minus strand). Cytogenetic location: 7q34.
Variant type: single nucleotide variant.
Coding change: c.708C>A on transcript NM_004333.6 (MANE Select); coding-DNA position 708, C replaced by A.
Protein change: p.Asn236Lys; replaces asparagine 236 with lysine.
Molecular consequence: missense variant.
Genome position (GRCh38, 1-based): chr7:140,807,963, G>T on the plus strand (C>A on the coding strand, the complement: BRAF is on the minus strand). VCF-style: chr7-140807963-G-T. GRCh37 (hg19) VCF-style: chr7-140507763-G-T.
Other names: c.708C>A, p.Asn236Lys (NM_001354609.2, NM_001374244.1, NM_001374258.1 and 4 more transcripts); c.717C>A, p.Asn239Lys (NM_001378467.1); c.606C>A, p.Asn202Lys (NM_001378470.1); c.552C>A, p.Asn184Lys (NM_001378472.1, NM_001378473.1); c.444C>A, p.Asn148Lys (NM_001378475.1); short protein forms N148K, N184K, N202K, N236K, N239K.
Identifiers: ClinVar variation 928804 (VCV000928804.10), dbSNP rs138333692, ClinGen allele CA369590931.

ClinVar aggregate classification (germline): Conflicting classifications of pathogenicity. Review status: criteria provided, conflicting classifications (1 of 4 stars). 3 submissions from 3 submitters: Pathogenic (1); Likely pathogenic (1); Uncertain significance (1). Last evaluated 2024-09-13.

Conditions:
RASopathy. Also called: rasopathies; Noonan spectrum disorder. Identifiers: Orphanet 536391, MedGen C5555857, MONDO:0021060.

Submissions (3):

GeneDx
Classification: Likely pathogenic. Last evaluated: 2024-09-13. Review status: criteria provided, single submitter. Criteria: GeneDx Variant Classification Process June 2021. Collection method: clinical testing. Allele origin: germline. Affected: yes.
Comment: Not observed at significant frequency in large population cohorts (gnomAD); Missense variants in this gene are a common cause of disease and they are underrepresented in the general population; In silico analysis supports that this missense variant has a deleterious effect on protein structure/function; Has not been previously published as pathogenic or benign to our knowledge

Labcorp Genetics (formerly Invitae), Labcorp
Classification: Pathogenic for RASopathy. Last evaluated: 2024-03-26. Review status: criteria provided, single submitter. Criteria: Invitae Variant Classification Sherloc (09022015). Collection method: clinical testing. Allele origin: germline.
Comment: This sequence change replaces asparagine, which is neutral and polar, with lysine, which is basic and polar, at codon 236 of the BRAF protein (p.Asn236Lys). This variant is not present in population databases (gnomAD no frequency). This missense change has been observed in individual(s) with clinical features of Noonan syndrome (Invitae). In at least one individual the variant was observed to be de novo. ClinVar contains an entry for this variant (Variation ID: 928804). Advanced modeling of protein sequence and biophysical properties (such as structural, functional, and spatial information, amino acid conservation, physicochemical variation, residue mobility, and thermodynamic stability) performed at Invitae indicates that this missense variant is not expected to disrupt BRAF protein function with a negative predictive value of 80%. For these reasons, this variant has been classified as Pathogenic.

Women's Health and Genetics/Laboratory Corporation of America, LabCorp
Classification: Uncertain significance. Last evaluated: 2019-03-11. Review status: criteria provided, single submitter. Criteria: LabCorp Variant Classification Summary - May 2015. Collection method: clinical testing. Allele origin: germline.
Comment: Variant summary: The variant, BRAF c.708C>A (p.Asn236Lys) results in a non-conservative amino acid change located in the diacylglycerol/phorbol-ester binding domain (IPR020454) of the encoded protein sequence. Five of five in-silico tools predict a damaging effect of the variant on protein function. The variant was absent in 276344 control chromosomes (gnomAD). The available data on variant occurrences in the general population are insufficient to allow any conclusion about variant significance. To our knowledge, no occurrence of c.708C>A in individuals affected with Noonan Syndrome and Related Conditions and no experimental evidence demonstrating its impact on protein function have been reported. No clinical diagnostic laboratories have submitted clinical-significance assessments for this variant to ClinVar after 2014. Based on the evidence outlined above, the variant was classified as uncertain significance.